The following is an entry in ClinVar:

NM_001204.7(BMPR2):c.899G>C (p.Ser300Thr)

Gene: BMPR2 (bone morphogenetic protein receptor type 2; plus strand). Cytogenetic location: 2q33.2.
Variant type: single nucleotide variant.
Coding change: c.899G>C on transcript NM_001204.7 (MANE Select); coding-DNA position 899, G replaced by C.
Protein change: p.Ser300Thr; replaces serine 300 with threonine.
Molecular consequence: missense variant.
Genome position (GRCh38, 1-based): chr2:202,520,133, G>C. VCF-style: chr2-202520133-G-C. GRCh37 (hg19) VCF-style: chr2-203384856-G-C.
Other names: short protein forms S300T.
Identifiers: ClinVar variation 3992050 (VCV003992050.1).

ClinVar aggregate classification (germline): Uncertain significance (1 of 4 stars; one submission).

Conditions:
Inborn genetic diseases. Identifiers: MedGen C0950123, MeSH D030342.

Submission:

Ambry Genetics
Classification: Uncertain significance for Inborn genetic diseases. Last evaluated: 2025-03-22. Review status: criteria provided, single submitter. Criteria: Ambry Variant Classification Scheme 2023. Collection method: clinical testing. Allele origin: germline.
Comment: The p.S300T variant (also known as c.899G>C), located in coding exon 7 of the BMPR2 gene, results from a G to C substitution at nucleotide position 899. The serine at codon 300 is replaced by threonine, an amino acid with similar properties. This amino acid position is conserved. In addition, this alteration is predicted to be tolerated by in silico analysis. Based on the available evidence, the clinical significance of this variant remains unclear.